The following is an entry in ClinVar:

NM_001025616.3(ARHGAP24):c.662C>T (p.Pro221Leu)

Gene: ARHGAP24 (Rho GTPase activating protein 24; plus strand). Cytogenetic location: 4q21.23.
Variant type: single nucleotide variant.
Coding change: c.662C>T on transcript NM_001025616.3 (MANE Select); coding-DNA position 662, C replaced by T.
Protein change: p.Pro221Leu; replaces proline 221 with leucine.
Molecular consequence: missense variant.
Genome position (GRCh38, 1-based): chr4:85,972,098, C>T. VCF-style: chr4-85972098-C-T. GRCh37 (hg19) VCF-style: chr4-86893251-C-T.
Other names: c.377C>T, p.Pro126Leu (NM_001042669.2); c.407C>T, p.Pro136Leu (NM_001287805.2); c.83C>T, p.Pro28Leu (NM_001346093.2); c.383C>T, p.Pro128Leu (NM_031305.3); short protein forms P126L, P128L, P136L, P221L, P28L.
Identifiers: ClinVar variation 2630114 (VCV002630114.1), dbSNP rs2546176680, ClinGen allele CA357566228.

ClinVar aggregate classification (germline): Uncertain significance (1 of 4 stars; one submission).

Conditions:
ARHGAP24-related disorder. Also called: ARHGAP24-related condition.

Submission:

PreventionGenetics, part of Exact Sciences
Classification: Uncertain significance for ARHGAP24-related condition. Last evaluated: 2022-12-21. Review status: criteria provided, single submitter. Criteria: ACMG Guidelines, 2015. Collection method: clinical testing. Allele origin: germline.
Comment: The ARHGAP24 c.662C>T variant is predicted to result in the amino acid substitution p.Pro221Leu. To our knowledge, this variant has not been reported in the literature or in a large population database, indicating this variant is rare. At this time, the clinical significance of this variant is uncertain due to the absence of conclusive functional and genetic evidence.